The following is an entry in ClinVar:

NM_001190274.2(FBXO11):c.116_139del (p.Gln39_Pro46del)

Genes: FBXO11 (F-box protein 11; minus strand), LOC100506235 (uncharacterized LOC100506235; plus strand). Cytogenetic location: 2p16.3.
Variant type: Deletion.
Coding change: c.116_139del on transcript NM_001190274.2 (MANE Select); coding-DNA positions 116 to 139, 24 bases deleted (AGCCGCCCCAGCAGCAGCCTCCGC).
Protein change: p.Gln39_Pro46del.
Molecular consequence: inframe deletion. On other transcripts: non-coding transcript variant (1).
Genome position (GRCh38, 1-based): chr2:47,905,582-47,905,605, GCGGAGGCTGCTGCTGGGGCGGCT deleted on the plus strand (AGCCGCCCCAGCAGCAGCCTCCGC on the coding strand, the reverse complement: FBXO11 is on the minus strand); deleting any 24 consecutive bases within chr2:47,905,582-47,905,607 gives the same sequence; the c. name uses the placement nearest the transcript's 3' end. VCF-style (leftmost placement, unchanged base first): chr2-47905581-GGCGGAGGCTGCTGCTGGGGCGGCT-G. GRCh37 (hg19) VCF-style: chr2-48132720-GGCGGAGGCTGCTGCTGGGGCGGCT-G.
Identifiers: ClinVar variation 4729974 (VCV004729974.1).

ClinVar aggregate classification (germline): Uncertain significance (1 of 4 stars; one submission).

Submission:

Labcorp Genetics (formerly Invitae), Labcorp
Classification: Uncertain significance. Last evaluated: 2025-12-29. Review status: criteria provided, single submitter. Criteria: Invitae Variant Classification Sherloc (09022015). Collection method: clinical testing. Allele origin: germline.
Comment: This variant, c.116_139del, results in the deletion of 8 amino acid(s) of the FBXO11 protein (p.Gln39_Pro46del), but otherwise preserves the integrity of the reading frame. This variant is not present in population databases (gnomAD no frequency). This variant has not been reported in the literature in individuals affected with FBXO11-related conditions. Experimental studies and prediction algorithms are not available or were not evaluated, and the functional significance of this variant is currently unknown. In summary, the available evidence is currently insufficient to determine the role of this variant in disease. Therefore, it has been classified as a Variant of Uncertain Significance.